The following is an entry in ClinVar:

ClinVar aggregate classification (germline): Uncertain significance. Review status: criteria provided, multiple submitters, no conflicts (2 of 4 stars). 2 submissions from 2 submitters: Uncertain significance (2). Last evaluated 2025-07-13.

Allele frequency attached by ClinVar (database versions not stated): TOPMed 0.00005; gnomAD 0.00006; gnomAD exomes 0.00006 and 0.00008; ExAC 0.00007.
gnomAD v4.1: 93 of 1,598,568 alleles (0.0058%); highest among the groups gnomAD compares: Middle Eastern, 0.033%; no homozygotes.

Submissions (2):

Labcorp Genetics (formerly Invitae), Labcorp
Classification: Uncertain significance. Last evaluated: 2025-07-13. Review status: criteria provided, single submitter. Criteria: Invitae Variant Classification Sherloc (09022015). Collection method: clinical testing. Allele origin: germline.
Comment: This sequence change replaces arginine, which is basic and polar, with glutamine, which is neutral and polar, at codon 362 of the PLEKHM2 protein (p.Arg362Gln). This variant is present in population databases (rs370612427, gnomAD 0.02%). This variant has not been reported in the literature in individuals affected with PLEKHM2-related conditions. ClinVar contains an entry for this variant (Variation ID: 478064). An algorithm developed to predict the effect of missense changes on protein structure and function outputs the following: PolyPhen-2: "Benign". The glutamine amino acid residue is found in multiple mammalian species, which suggests that this missense change does not adversely affect protein function. In summary, the available evidence is currently insufficient to determine the role of this variant in disease. Therefore, it has been classified as a Variant of Uncertain Significance.

Breakthrough Genomics
Classification: Uncertain significance. Review status: criteria provided, single submitter. Criteria: ACMG Guidelines, 2015. Collection method: not provided. Allele origin: germline. Inheritance: Unknown mechanism. Affected: yes.

NM_015164.4(PLEKHM2):c.1085G>A (p.Arg362Gln)

Gene: PLEKHM2 (pleckstrin homology and RUN domain containing M2; plus strand). Cytogenetic location: 1p36.21.
Variant type: single nucleotide variant.
Coding change: c.1085G>A on transcript NM_015164.4 (MANE Select); coding-DNA position 1085, G replaced by A.
Protein change: p.Arg362Gln; replaces arginine 362 with glutamine.
Molecular consequence: missense variant.
Genome position (GRCh38, 1-based): chr1:15,727,157, G>A. VCF-style: chr1-15727157-G-A. GRCh37 (hg19) VCF-style: chr1-16053652-G-A.
Other names: short protein forms R362Q.
Identifiers: ClinVar variation 478064 (VCV000478064.10), dbSNP rs370612427, ClinGen allele CA616850.
Genomic context (GRCh38, chr1:15,727,157, plus strand): 5'-AGAAGAAATGTGCCAAGCAGGGGGACGGTGACAGCCGCAACGGCAGCCCAAGCCTTGGGC[G>A]GGACTCGCCAGACACTATGCTTGCCTCCCCCCAGGAGGAGGGAGAGGGGCCGAGCAGCAC-3'
Protein context (NP_055979.2, residues 352-372): DSRNGSPSLG[Arg362Gln]DSPDTMLASP